The following is an entry in ClinVar:

ClinVar aggregate classification (germline): Conflicting classifications of pathogenicity. Review status: criteria provided, conflicting classifications (1 of 4 stars). 4 submissions from 4 submitters: Uncertain significance (3); Likely benign (1). Last evaluated 2025-10-29.

Conditions:
PKHD1-related disorder. Also called: PKHD1-related condition.
Inborn genetic diseases. Identifiers: MedGen C0950123, MeSH D030342.
Autosomal recessive polycystic kidney disease (ARPKD). Also called: AR polycystic kidney disease. Identifiers: Orphanet 731, Orphanet 8378, MedGen C0085548, MeSH D017044, MONDO:0009889.

Allele frequency attached by ClinVar (database versions not stated): ExAC 0.00005; TOPMed 0.00005; gnomAD 0.00007; ESP Exome Variant Server 0.00015.
gnomAD v4.1: 81 of 1,612,952 alleles (0.005%); highest among the groups gnomAD compares: African/African-American, 0.0094%; no homozygotes.

Submissions (4):

Ambry Genetics
Classification: Likely benign for Inborn genetic diseases. Last evaluated: 2025-10-29. Review status: criteria provided, single submitter. Criteria: Ambry Variant Classification Scheme 2023. Collection method: clinical testing. Allele origin: germline.

GeneDx
Classification: Uncertain significance. Last evaluated: 2024-12-17. Review status: criteria provided, single submitter. Criteria: GeneDx Variant Classification Process June 2021. Collection method: clinical testing. Allele origin: germline. Affected: yes.
Comment: Not observed at significant frequency in large population cohorts (gnomAD); In silico analysis indicates that this missense variant does not alter protein structure/function; Has not been previously published as pathogenic or benign to our knowledge

PreventionGenetics, part of Exact Sciences
Classification: Uncertain significance for PKHD1-related condition. Last evaluated: 2024-11-20. Review status: criteria provided, single submitter. Criteria: ACMG Guidelines, 2015. Collection method: clinical testing. Allele origin: germline.
Comment: The PKHD1 c.2636C>T variant is predicted to result in the amino acid substitution p.Thr879Met. To our knowledge, this variant has not been reported in the literature. This variant is reported in 0.0085% of alleles in individuals of Latino descent in gnomAD. At this time, the clinical significance of this variant is uncertain due to the absence of conclusive functional and genetic evidence.

Labcorp Genetics (formerly Invitae), Labcorp
Classification: Uncertain significance for Autosomal recessive polycystic kidney disease. Last evaluated: 2022-07-28. Review status: criteria provided, single submitter. Criteria: Invitae Variant Classification Sherloc (09022015). Collection method: clinical testing. Allele origin: germline.
Comment: This sequence change replaces threonine, which is neutral and polar, with methionine, which is neutral and non-polar, at codon 879 of the PKHD1 protein (p.Thr879Met). This variant is present in population databases (rs141638079, gnomAD 0.009%). This variant has not been reported in the literature in individuals affected with PKHD1-related conditions. Advanced modeling of protein sequence and biophysical properties (such as structural, functional, and spatial information, amino acid conservation, physicochemical variation, residue mobility, and thermodynamic stability) performed at Invitae indicates that this missense variant is not expected to disrupt PKHD1 protein function. In summary, the available evidence is currently insufficient to determine the role of this variant in disease. Therefore, it has been classified as a Variant of Uncertain Significance.

NM_138694.4(PKHD1):c.2636C>T (p.Thr879Met)

Gene: PKHD1 (PKHD1 ciliary IPT domain containing fibrocystin/polyductin; minus strand). Cytogenetic location: 6p12.2.
Variant type: single nucleotide variant.
Coding change: c.2636C>T on transcript NM_138694.4 (MANE Select); coding-DNA position 2636, C replaced by T.
Protein change: p.Thr879Met; replaces threonine 879 with methionine.
Molecular consequence: missense variant.
Genome position (GRCh38, 1-based): chr6:52,045,045, G>A on the plus strand (C>T on the coding strand, the complement: PKHD1 is on the minus strand). VCF-style: chr6-52045045-G-A. GRCh37 (hg19) VCF-style: chr6-51909843-G-A.
Other names: c.2636C>T (NM_138694.3); c.2636C>T, p.Thr879Met (NM_170724.3); short protein forms T879M.
Identifiers: ClinVar variation 2044812 (VCV002044812.4), dbSNP rs141638079, ClinGen allele CA3853156.